The following is an entry in ClinVar:

ClinVar aggregate classification (germline): Likely pathogenic (1 of 4 stars; one submission).

Conditions:
Intellectual developmental disorder, X-linked, syndromic, Snyder-Robinson type. Also called: SNYDER-ROBINSON MENTAL RETARDATION SYNDROME; Syndromic X-linked intellectual disability Snyder type; X-linked mental retardation Snyder - Robinson type; Spermine synthase deficiency. Identifiers: Orphanet 3063, MedGen C0796160, MONDO:0010664, OMIM 309583.

Submission:

3billion
Classification: Likely pathogenic for Intellectual developmental disorder, X-linked, syndromic, Snyder-Robinson type. Last evaluated: 2025-01-17. Review status: criteria provided, single submitter. Criteria: ACMG Guidelines, 2015. Collection method: clinical testing. Allele origin: unknown. Affected: yes.
Comment: The variant is not observed in the gnomAD v2.1.1 dataset. Missense changes are a common disease-causing mechanism. In silico tool predictions suggest damaging effect of the variant on gene or gene product (REVEL: 0.78; 3Cnet: 0.95). Different missense changes at the same codon (p.Pro112Ala, p.Pro112Leu) have been reported to be associated with SMS related disorder (ClinVar ID: VCV001175812 / PMID: 26761001, 34177437). This variant is classified as likely pathogenic according to the recommendation of ACMG/AMP guideline.

NM_004595.5(SMS):c.335C>A (p.Pro112Gln)

Gene: SMS (spermine synthase; plus strand). Cytogenetic location: Xp22.11.
Variant type: single nucleotide variant.
Coding change: c.335C>A on transcript NM_004595.5 (MANE Select); coding-DNA position 335, C replaced by A.
Protein change: p.Pro112Gln; replaces proline 112 with glutamine.
Molecular consequence: missense variant.
Genome position (GRCh38, 1-based): chrX:21,977,066, C>A. VCF-style: chrX-21977066-C-A. GRCh37 (hg19) VCF-style: chrX-21995184-C-A.
Other names: c.176C>A, p.Pro59Gln (NM_001258423.2); short protein forms P112Q, P59Q.
Identifiers: ClinVar variation 2444331 (VCV002444331.2), dbSNP rs2147517480, ClinGen allele CA412567088.